The following is an entry in ClinVar:

NM_001377.3(DYNC2H1):c.1021C>T (p.His341Tyr)

Gene: DYNC2H1 (dynein cytoplasmic 2 heavy chain 1; plus strand). Cytogenetic location: 11q22.3.
Variant type: single nucleotide variant.
Coding change: c.1021C>T on transcript NM_001377.3 (MANE Select); coding-DNA position 1021, C replaced by T.
Protein change: p.His341Tyr; replaces histidine 341 with tyrosine.
Molecular consequence: missense variant.
Genome position (GRCh38, 1-based): chr11:103,120,468, C>T. VCF-style: chr11-103120468-C-T. GRCh37 (hg19) VCF-style: chr11-102991197-C-T.
Other names: c.1021C>T, p.His341Tyr (NM_001080463.2); short protein forms H341Y.
Identifiers: ClinVar variation 302008 (VCV000302008.28), dbSNP rs17301182, ClinGen allele CA6252670.
Genomic context (GRCh38, chr11:103,120,468, plus strand): 5'-GATTTAAATAAATTCTGTTGTTTTAATACTTCATTTTAGGTCTTGGCTATTAGAACAATT[C>T]ATGAGAAGTTTCTCTATTTTCTACCTGCCAGTGAAGAGAAAATCATATGCCTCACTCGAG-3'
Protein context (NP_001368.2, residues 331-351): LEEVLAIRTI[His341Tyr]EKFLYFLPAS

ClinVar aggregate classification (germline): Benign/Likely benign. Review status: criteria provided, multiple submitters, no conflicts (2 of 4 stars). 10 submissions from 10 submitters: Benign (6); Likely benign (1). 3 of the submissions do not count toward it. Last evaluated 2026-02-04.

Conditions:
Jeune thoracic dystrophy. Also called: Infantile thoracic dystrophy; Thoracic pelvic phalangeal dystrophy; Jeune's syndrome; Chondroectodermal dysplasia-like syndrome; Short-rib thoracic dysplasia; Jeune syndrome. Identifiers: Orphanet 474, MedGen C0265275, MONDO:0018770.
Asphyxiating thoracic dystrophy 3. Also called: SHORT-RIB THORACIC DYSPLASIA 3 WITH OR WITHOUT POLYDACTYLY; POLYDACTYLY WITH NEONATAL CHONDRODYSTROPHY, TYPE I; SHORT-RIB THORACIC DYSPLASIA 3/6 WITH POLYDACTYLY, DIGENIC; Short rib polydactyly syndrome 2B; Saldino-Noonan Syndrome. Identifiers: Orphanet 474, Orphanet 93269, Orphanet 93270, Orphanet 93271, MedGen C0036069, MONDO:0013127, OMIM 613091.

Allele frequency attached by ClinVar (database versions not stated): 1000 Genomes Project 0.07169; TOPMed 0.07722; gnomAD 0.08896 and 0.08953; ESP Exome Variant Server 0.09045; ExAC 0.10168; gnomAD exomes 0.10324 and 0.11214; 1000 Genomes Project 30x 0.07058.
gnomAD v4.1: 176,763 of 1,608,924 alleles (11%); highest among the groups gnomAD compares: Non-Finnish European, 12%; 10,485 homozygotes.

Submissions (10):

Labcorp Genetics (formerly Invitae), Labcorp
Classification: Benign for Jeune thoracic dystrophy. Last evaluated: 2026-02-04. Review status: criteria provided, single submitter. Criteria: Invitae Variant Classification Sherloc (09022015). Collection method: clinical testing. Allele origin: germline.

Blueprint Genetics
Classification: Benign. Last evaluated: 2024-11-27. Review status: criteria provided, single submitter. Criteria: ACMG Guidelines, 2015. Collection method: clinical testing. Allele origin: germline.

Mayo Clinic Laboratories, Mayo Clinic
Classification: Benign. Last evaluated: 2023-08-10. Review status: criteria provided, single submitter. Criteria: ACMG Guidelines, 2015. Collection method: clinical testing. Allele origin: germline. Observed: 16 variant alleles.
Comment: BA1, BS2, BP4

Genome-Nilou Lab
Classification: Benign for Asphyxiating thoracic dystrophy 3. Last evaluated: 2021-07-30. Review status: criteria provided, single submitter. Criteria: ACMG Guidelines, 2015. Collection method: clinical testing. Allele origin: germline. Affected: no.

Illumina Laboratory Services, Illumina
Classification: Benign for Asphyxiating thoracic dystrophy 3. Last evaluated: 2018-01-12. Review status: criteria provided, single submitter. Criteria: ICSL Variant Classification Criteria 13 December 2019. Collection method: clinical testing. Allele origin: germline.
Comment: This variant was observed in the ICSL laboratory as part of a predisposition screen in an ostensibly healthy population. It had not been previously curated by ICSL or reported in the Human Gene Mutation Database (HGMD: prior to June 1st, 2018), and was therefore a candidate for classification through an automated scoring system. Utilizing variant allele frequency, disease prevalence and penetrance estimates, and inheritance mode, an automated score was calculated to assess if this variant is too frequent to cause the disease. Based on the score and internal cut-off values, a variant classified as benign is not then subjected to further curation. The score for this variant resulted in a classification of benign for this disease.

GeneDx
Classification: Benign. Last evaluated: 2016-03-29. Review status: criteria provided, single submitter. Criteria: GeneDx Variant Classification (06012015). Collection method: clinical testing. Allele origin: germline. Affected: yes.
Comment: This variant is considered likely benign or benign based on one or more of the following criteria: it is a conservative change, it occurs at a poorly conserved position in the protein, it is predicted to be benign by multiple in silico algorithms, and/or has population frequency not consistent with disease.

Breakthrough Genomics
Classification: Likely benign. Review status: criteria provided, single submitter. Criteria: ACMG Guidelines, 2015. Collection method: not provided. Allele origin: germline. Inheritance: Autosomal recessive inheritance. Affected: yes.

Clinical Genetics DNA and cytogenetics Diagnostics Lab, Erasmus MC, Erasmus Medical Center
Classification: Benign. Review status: no assertion criteria provided. Collection method: clinical testing. Allele origin: germline. Affected: yes. Study: VKGL Data-share Consensus. Not counted in ClinVar's aggregate classification.

Diagnostic Laboratory, Department of Genetics, University Medical Center Groningen
Classification: Benign. Review status: no assertion criteria provided. Collection method: clinical testing. Allele origin: germline. Affected: yes. Study: VKGL Data-share Consensus. Not counted in ClinVar's aggregate classification.

Joint Genome Diagnostic Labs from Nijmegen and Maastricht, Radboudumc and MUMC+
Classification: Benign. Review status: no assertion criteria provided. Collection method: clinical testing. Allele origin: germline. Affected: yes. Study: VKGL Data-share Consensus. Not counted in ClinVar's aggregate classification.

Literature cited by the submitters: PubMed 35559026 (cited by Mayo Clinic Laboratories, Mayo Clinic).